The following is an entry in ClinVar:

NM_001273.5(CHD4):c.1969G>A (p.Glu657Lys)

Gene: CHD4 (chromodomain helicase DNA binding protein 4; minus strand). Cytogenetic location: 12p13.31.
Variant type: single nucleotide variant.
Coding change: c.1969G>A on transcript NM_001273.5 (MANE Select); coding-DNA position 1969, G replaced by A.
Protein change: p.Glu657Lys; replaces glutamic acid 657 with lysine.
Molecular consequence: missense variant.
Genome position (GRCh38, 1-based): chr12:6,596,061, C>T on the plus strand (G>A on the coding strand, the complement: CHD4 is on the minus strand). VCF-style: chr12-6596061-C-T. GRCh37 (hg19) VCF-style: chr12-6705227-C-T.
Other names: c.1948G>A, p.Glu650Lys (NM_001297553.2); c.1930G>A, p.Glu644Lys (NM_001363606.2); short protein forms E657K, E644K, E650K.
Identifiers: ClinVar variation 4737501 (VCV004737501.1).

ClinVar aggregate classification (germline): Uncertain significance (1 of 4 stars; one submission).

Submission:

Labcorp Genetics (formerly Invitae), Labcorp
Classification: Uncertain significance. Last evaluated: 2025-10-12. Review status: criteria provided, single submitter. Criteria: Invitae Variant Classification Sherloc (09022015). Collection method: clinical testing. Allele origin: germline.
Comment: This sequence change replaces glutamic acid, which is acidic and polar, with lysine, which is basic and polar, at codon 657 of the CHD4 protein (p.Glu657Lys). This variant is not present in population databases (gnomAD no frequency). This variant has not been reported in the literature in individuals affected with CHD4-related conditions. Invitae Evidence Modeling of protein sequence and biophysical properties (such as structural, functional, and spatial information, amino acid conservation, physicochemical variation, residue mobility, and thermodynamic stability) indicates that this missense variant is not expected to disrupt CHD4 protein function with a negative predictive value of 80%. In summary, the available evidence is currently insufficient to determine the role of this variant in disease. Therefore, it has been classified as a Variant of Uncertain Significance.